The following is an entry in ClinVar:

ClinVar aggregate classification (germline): Uncertain significance (1 of 4 stars; one submission).

Conditions:
Developmental and epileptic encephalopathy, 42 (DEE42A). Also called: DEVELOPMENTAL AND EPILEPTIC ENCEPHALOPATHY 42A; EPILEPTIC ENCEPHALOPATHY, EARLY INFANTILE, 42A; Epileptic encephalopathy, early infantile, 42. Identifiers: MedGen C4310716, MONDO:0014917, OMIM 617106.
Episodic ataxia type 2 (EA2). Also called: CEREBELLAR ATAXIA, PAROXYSMAL, ACETAZOLAMIDE-RESPONSIVE; CEREBELLOPATHY, HEREDITARY PAROXYSMAL; EPISODIC ATAXIA, NYSTAGMUS-ASSOCIATED; ACETAZOLAMIDE-RESPONSIVE HEREDITARY PAROXYSMAL CEREBELLAR ATAXIA; ATAXIA, EPISODIC, WITH NYSTAGMUS; ATAXIA, FAMILIAL PAROXYSMAL. Identifiers: Orphanet 97, MedGen C1720416, MONDO:0007163, OMIM 108500.

Allele frequency attached by ClinVar (database versions not stated): gnomAD exomes 0.00001; ExAC 0.00001; gnomAD 0.00003; TOPMed 0.00001.
gnomAD v4.1: 12 of 1,613,644 alleles (0.00074%); highest among the groups gnomAD compares: African/African-American, 0.0053%; no homozygotes.

Submission:

Labcorp Genetics (formerly Invitae), Labcorp
Classification: Uncertain significance for Developmental and epileptic encephalopathy, 42; Episodic ataxia type 2. Last evaluated: 2023-12-02. Review status: criteria provided, single submitter. Criteria: Invitae Variant Classification Sherloc (09022015). Collection method: clinical testing. Allele origin: germline.
Comment: This sequence change replaces arginine, which is basic and polar, with glutamine, which is neutral and polar, at codon 1819 of the CACNA1A protein (p.Arg1819Gln). This variant is present in population databases (rs745900417, gnomAD 0.007%). This variant has not been reported in the literature in individuals affected with CACNA1A-related conditions. ClinVar contains an entry for this variant (Variation ID: 940051). Advanced modeling of protein sequence and biophysical properties (such as structural, functional, and spatial information, amino acid conservation, physicochemical variation, residue mobility, and thermodynamic stability) performed at Invitae indicates that this missense variant is expected to disrupt CACNA1A protein function with a positive predictive value of 95%. In summary, the available evidence is currently insufficient to determine the role of this variant in disease. Therefore, it has been classified as a Variant of Uncertain Significance.

NM_001127222.2(CACNA1A):c.5453G>A (p.Arg1818Gln)

Gene: CACNA1A (calcium voltage-gated channel subunit alpha1 A; minus strand). Cytogenetic location: 19p13.13.
Variant type: single nucleotide variant.
Coding change: c.5453G>A on transcript NM_001127222.2 (MANE Select); coding-DNA position 5453, G replaced by A.
Protein change: p.Arg1818Gln; replaces arginine 1818 with glutamine.
Molecular consequence: missense variant.
Genome position (GRCh38, 1-based): chr19:13,230,157, C>T on the plus strand (G>A on the coding strand, the complement: CACNA1A is on the minus strand). VCF-style: chr19-13230157-C-T. GRCh37 (hg19) VCF-style: chr19-13340971-C-T.
Other names: c.5471G>A, p.Arg1824Gln (NM_000068.4, NM_023035.3); c.5456G>A, p.Arg1819Gln (NM_001127221.2); c.5462G>A, p.Arg1821Gln (NM_001174080.2); short protein forms R1821Q, R1818Q, R1819Q, R1824Q.
Identifiers: ClinVar variation 940051 (VCV000940051.8), dbSNP rs745900417, ClinGen allele CA9239729.